The following is an entry in ClinVar:

NM_004612.4(TGFBR1):c.969C>T (p.Thr323=)

Gene: TGFBR1 (transforming growth factor beta receptor 1; plus strand). Cytogenetic location: 9q22.33.
Variant type: single nucleotide variant.
Coding change: c.969C>T on transcript NM_004612.4 (MANE Select); coding-DNA position 969, C replaced by T.
Protein change: p.Thr323=; no amino-acid change (threonine 323 retained).
Molecular consequence: synonymous variant.
Genome position (GRCh38, 1-based): chr9:99,142,699, C>T. VCF-style: chr9-99142699-C-T. GRCh37 (hg19) VCF-style: chr9-101904981-C-T.
Other names: c.738C>T, p.Thr246= (NM_001130916.3); c.981C>T, p.Thr327= (NM_001306210.2); c.969C>T (NM_004612.2, NM_004612.3).
Identifiers: ClinVar variation 1586523 (VCV001586523.12), dbSNP rs1192456677, ClinGen allele CA466434535.
Genomic context (GRCh38, chr9:99,142,699, plus strand): 5'-AAAACTTGCTCTGTCCACGGCGAGCGGTCTTGCCCATCTTCACATGGAGATTGTTGGTAC[C>T]CAAGGTAATTCTATAAGCAGTTCTATTATTTAAGCTTTAAATTTTCATGAATAATGTCTA-3'
Protein context (NP_004603.1, residues 313-333): LAHLHMEIVG[Thr323=]QGKPAIAHRD

ClinVar aggregate classification (germline): Likely benign. Review status: criteria provided, multiple submitters, no conflicts (2 of 4 stars). 5 submissions from 5 submitters: Likely benign (5). Last evaluated 2026-09-21.

Conditions:
Loeys-Dietz syndrome (LDS). Identifiers: Orphanet 60030, MedGen C2697932, MONDO:0018954.
Familial thoracic aortic aneurysm and aortic dissection (TAAD). Also called: Thoracic aortic aneurysms and dissections. Identifiers: Orphanet 91387, MedGen C4707243, MONDO:0019625.

Allele frequency attached by ClinVar (database versions not stated): gnomAD 0.00001.
gnomAD v4.1: 4 of 1,613,774 alleles (0.00025%); highest among the groups gnomAD compares: Non-Finnish European, 0.00034%; no homozygotes.

Submissions (5):

Molecular Diagnostic Laboratory for Inherited Cardiovascular Disease, Montreal Heart Institute
Classification: Likely benign. Last evaluated: 2026-09-21. Review status: criteria provided, single submitter. Criteria: ACMG Guidelines, 2015. Collection method: clinical testing. Allele origin: germline. Affected: no.
Comment: BP7

Labcorp Genetics (formerly Invitae), Labcorp
Classification: Likely benign for Familial thoracic aortic aneurysm and aortic dissection. Last evaluated: 2025-10-29. Review status: criteria provided, single submitter. Criteria: Invitae Variant Classification Sherloc (09022015). Collection method: clinical testing. Allele origin: germline.

Ambry Genetics
Classification: Likely benign for Familial thoracic aortic aneurysm and aortic dissection. Last evaluated: 2025-05-30. Review status: criteria provided, single submitter. Criteria: Ambry Variant Classification Scheme 2023. Collection method: clinical testing. Allele origin: germline.

Blueprint Genetics
Classification: Likely benign. Last evaluated: 2024-10-03. Review status: criteria provided, single submitter. Criteria: ACMG Guidelines, 2015. Collection method: clinical testing. Allele origin: germline.

All of Us Research Program, National Institutes of Health
Classification: Likely benign for Loeys-Dietz syndrome. Last evaluated: 2024-04-16. Review status: criteria provided, single submitter. Criteria: ACMG Guidelines, 2015. Collection method: clinical testing. Allele origin: germline. Inheritance: Autosomal dominant inheritance. Observed: 1 variant allele, 1 heterozygote.
Comment: This study involves interpretation of variants in research participants for the purpose of population health screening. Participant phenotype was not available at the time of variant classification. Additional details can be found in publication PMID: 35346344, PMCID: PMC8962531